The following is an entry in ClinVar:

NM_000666.3(ACY1):c.253C>T (p.Pro85Ser)

Genes: ABHD14A-ACY1 (ABHD14A-ACY1 readthrough; plus strand), ACY1 (aminoacylase 1; plus strand). Cytogenetic location: 3p21.2.
Variant type: single nucleotide variant.
Coding change: c.253C>T on transcript NM_000666.3 (MANE Select); coding-DNA position 253, C replaced by T.
Protein change: p.Pro85Ser; replaces proline 85 with serine.
Molecular consequence: missense variant.
Genome position (GRCh38, 1-based): chr3:51,985,454, C>T. VCF-style: chr3-51985454-C-T. GRCh37 (hg19) VCF-style: chr3-52019470-C-T.
Other names: p.Pro85Ser; c.523C>T, p.Pro175Ser (NM_001316331.2); c.253C>T, p.Pro85Ser (NM_001198895.2, NM_001198896.2, NM_001198897.2); c.148C>T, p.Pro50Ser (NM_001198898.2); short protein forms P175S, P50S, P85S.
Identifiers: ClinVar variation 4540882 (VCV004540882.1).

ClinVar aggregate classification (germline): Uncertain significance (1 of 4 stars; one submission).

Submission:

Mayo Clinic Laboratories, Mayo Clinic
Classification: Uncertain significance. Last evaluated: 2025-12-03. Review status: criteria provided, single submitter. Criteria: ACMG Guidelines, 2015. Collection method: clinical testing. Allele origin: germline. Observed: 1 variant allele.
Comment: PP3, PM2_supporting